The following is an entry in ClinVar:

U43746.1(BRCA2):n.7696_7697insT

Gene: BRCA2 (BRCA2 DNA repair associated; plus strand). Cytogenetic location: 13q13.1.
Variant type: Duplication.
Genome position: GRCh38 VCF-style: chr13-32356460-A-AT. GRCh37 (hg19) VCF-style: chr13-32930597-A-AT.
Other names: 7696insT; c.7469dup, p.Gln2491fs (LRG_293t1).
Identifiers: ClinVar variation 126137 (VCV000126137.5), dbSNP rs1555286239, ClinGen allele CA025104.
Genomic context (GRCh38, chr13:32,356,460, plus strand): 5'-TTTTTGCTAAGTATTTATTCTTTGATAGATTTAATTACAAGTCTTCAGAATGCCAGAGAT[A>AT]TACAGGATATGCGAATTAAGAAGAAACAAAGGCAACGCGTCTTTCCACAGCCAGGCAGTC-3'

ClinVar aggregate classification (germline): Pathogenic. Review status: reviewed by expert panel (3 of 4 stars). 3 submissions from 3 submitters: Pathogenic (1). 2 of the submissions do not count toward it. Last evaluated 2016-10-18.

Conditions:
Breast-ovarian cancer, familial, susceptibility to, 2 (BROVCA2). Also called: BRCA2 Hereditary Breast and Ovarian Cancer. Identifiers: Orphanet 145, MedGen C2675520, MONDO:0012933, OMIM 612555. Disease mechanism: loss of function.

Submissions (3):

Evidence-based Network for the Interpretation of Germline Mutant Alleles (ENIGMA)
Classification: Pathogenic for Breast-ovarian cancer, familial, susceptibility to, 2. Last evaluated: 2016-10-18. Review status: reviewed by expert panel. Criteria: ENIGMA BRCA1/2 Classification Criteria (2015). Collection method: curation. Allele origin: germline.
Comment: Variant allele predicted to encode a truncated non-functional protein.

Consortium of Investigators of Modifiers of BRCA1/2 (CIMBA), c/o University of Cambridge
Classification: Pathogenic for Breast-ovarian cancer, familial, susceptibility to, 2. Last evaluated: 2015-10-02. Review status: criteria provided, single submitter. Criteria: CIMBA Mutation Classification guidelines May 2016. Collection method: clinical testing. Allele origin: germline. Not counted in ClinVar's aggregate classification.

Breast Cancer Information Core (BIC) (BRCA2)
Classification: Pathogenic for Breast-ovarian cancer, familial 2. Last evaluated: 2013-02-20. Review status: no assertion criteria provided. Collection method: clinical testing. Allele origin: somatic. Affected: yes. Observed: 1 variant allele. Not counted in ClinVar's aggregate classification.